The following is an entry in ClinVar:

NM_003560.4(PLA2G6):c.2159C>T (p.Thr720Ile)

Gene: PLA2G6 (phospholipase A2 group VI; minus strand). Cytogenetic location: 22q13.1.
Variant type: single nucleotide variant.
Coding change: c.2159C>T on transcript NM_003560.4 (MANE Select); coding-DNA position 2159, C replaced by T.
Protein change: p.Thr720Ile; replaces threonine 720 with isoleucine.
Molecular consequence: missense variant.
Genome position (GRCh38, 1-based): chr22:38,113,530, G>A on the plus strand (C>T on the coding strand, the complement: PLA2G6 is on the minus strand). VCF-style: chr22-38113530-G-A. GRCh37 (hg19) VCF-style: chr22-38509537-G-A.
Other names: c.1997C>T, p.Thr666Ile (NM_001004426.3, NM_001199562.3, NM_001349865.2 and 1 more transcripts); c.2159C>T, p.Thr720Ile (NM_001349864.2); c.1625C>T, p.Thr542Ile (NM_001349867.2); c.1481C>T, p.Thr494Ile (NM_001349868.2); c.1463C>T, p.Thr488Ile (NM_001349869.2); short protein forms T488I, T494I, T542I, T666I, T720I.
Identifiers: ClinVar variation 2573503 (VCV002573503.1), dbSNP rs747370054, ClinGen allele CA10230594.

ClinVar aggregate classification (germline): Uncertain significance (1 of 4 stars; one submission).

Allele frequency attached by ClinVar (database versions not stated): ExAC 0.00001; gnomAD exomes 0.00001; TOPMed 0.00002.
gnomAD v4.1: 9 of 1,614,098 alleles (0.00056%); highest among the groups gnomAD compares: Admixed American, 0.0017%; no homozygotes.

Submission:

Women's Health and Genetics/Laboratory Corporation of America, LabCorp
Classification: Uncertain significance. Last evaluated: 2023-06-05. Review status: criteria provided, single submitter. Criteria: LabCorp Variant Classification Summary - May 2015. Collection method: clinical testing. Allele origin: germline.
Comment: Variant summary: PLA2G6 c.2159C>T (p.Thr720Ile) results in a non-conservative amino acid change in the encoded protein sequence. Three of five in-silico tools predict a damaging effect of the variant on protein function. The variant allele was found at a frequency of 1.2e-05 in 251396 control chromosomes. The available data on variant occurrences in the general population are insufficient to allow any conclusion about variant significance. To our knowledge, no occurrence of c.2159C>T in individuals affected with Neurodegeneration With Brain Iron Accumulation and no experimental evidence demonstrating its impact on protein function have been reported. No clinical diagnostic laboratories have submitted clinical-significance assessments for this variant to ClinVar after 2014. Based on the evidence outlined above, the variant was classified as uncertain significance.